The following is an entry in ClinVar:

ClinVar aggregate classification (germline): Uncertain significance (1 of 4 stars; one submission).

Conditions:
Hereditary cancer-predisposing syndrome. Also called: Neoplastic Syndromes, Hereditary; Tumor predisposition; Hereditary neoplastic syndrome; Hereditary Cancer Syndrome. Identifiers: Orphanet 140162, MedGen C0027672, MeSH D009386, MONDO:0015356.

Submission:

Ambry Genetics
Classification: Uncertain significance for Hereditary cancer-predisposing syndrome. Last evaluated: 2026-07-06. Review status: criteria provided, single submitter. Criteria: Ambry Variant Classification Scheme 2023. Collection method: clinical testing. Allele origin: germline.
Comment: The p.C28S variant (also known as c.83G>C), located in coding exon 2 of the CDH1 gene, results from a G to C substitution at nucleotide position 83. The cysteine at codon 28 is replaced by serine, an amino acid with dissimilar properties. This amino acid position is conserved. In addition, this alteration is predicted to be deleterious by in silico analysis. Based on the available evidence, the clinical significance of this variant remains unclear.

NM_004360.5(CDH1):c.83G>C (p.Cys28Ser)

Gene: CDH1 (cadherin 1; plus strand). Cytogenetic location: 16q22.1.
Variant type: single nucleotide variant.
Coding change: c.83G>C on transcript NM_004360.5 (MANE Select); coding-DNA position 83, G replaced by C.
Protein change: p.Cys28Ser; replaces cysteine 28 with serine.
Molecular consequence: missense variant. On other transcripts: 5 prime UTR variant (2).
Genome position (GRCh38, 1-based): chr16:68,738,331, G>C. VCF-style: chr16-68738331-G-C. GRCh37 (hg19) VCF-style: chr16-68772234-G-C.
Other names: c.83G>C, p.Cys28Ser (NM_001317184.2); c.-1533G>C (NM_001317185.2); c.-1737G>C (NM_001317186.2); short protein forms C28S.
Identifiers: ClinVar variation 5033920 (VCV005033920.1).